The following is an entry in ClinVar:

ClinVar aggregate classification (germline): Benign/Likely benign. Review status: no assertion criteria provided (0 of 4 stars). 3 submissions from 3 submitters: Benign (1); Likely benign (2). Last evaluated 2020-04-22.

Conditions:
FLNC-related disorder. Also called: FLNC-related condition; FLNC-related disorders.

Submissions (3):

PreventionGenetics, part of Exact Sciences
Classification: Likely benign for FLNC-related condition. Last evaluated: 2020-04-22. Review status: no assertion criteria provided. Collection method: clinical testing. Allele origin: germline.
Comment: This variant is classified as likely benign based on ACMG/AMP sequence variant interpretation guidelines (Richards et al. 2015 PMID: 25741868, with internal and published modifications).

Clinical Genetics, Academic Medical Center
Classification: Benign. Review status: no assertion criteria provided. Collection method: clinical testing. Allele origin: germline. Affected: yes. Study: VKGL Data-share Consensus.

Joint Genome Diagnostic Labs from Nijmegen and Maastricht, Radboudumc and MUMC+
Classification: Likely benign. Review status: no assertion criteria provided. Collection method: clinical testing. Allele origin: germline. Affected: yes. Study: VKGL Data-share Consensus.

NM_001458.5(FLNC):c.-26_-9dup

Gene: FLNC (filamin C; plus strand). Cytogenetic location: 7q32.1.
Variant type: Duplication.
Coding change: c.-26_-9dup on transcript NM_001458.5 (MANE Select); 26 bases upstream of the start codon through 9 bases upstream of the start codon, 18 bases duplicated (CGGCCGCACCCCCAGCCC).
Molecular consequence: 5 prime UTR variant.
Genome position (GRCh38, 1-based): chr7:128,830,612-128,830,629, CGGCCGCACCCCCAGCCC duplicated; duplicating any 18 consecutive bases within chr7:128,830,607-128,830,629 gives the same sequence; the c. name uses the placement nearest the transcript's 3' end. VCF-style (leftmost placement, unchanged base first): chr7-128830606-T-TAGCCCCGGCCGCACCCCC. GRCh37 (hg19) VCF-style: chr7-128470660-T-TAGCCCCGGCCGCACCCCC.
Other names: c.-26_-9dup18 (NM_001458.4); c.-26_-9dup (NM_001127487.2).
Identifiers: ClinVar variation 1299957 (VCV001299957.5), dbSNP rs749265933, ClinGen allele CA4473936.